The following is an entry in ClinVar:

NM_007294.4(BRCA1):c.2528C>G (p.Thr843Arg)

Gene: BRCA1 (BRCA1 DNA repair associated; minus strand). Cytogenetic location: 17q21.31.
Variant type: single nucleotide variant.
Coding change: c.2528C>G on transcript NM_007294.4 (MANE Select); coding-DNA position 2528, C replaced by G.
Protein change: p.Thr843Arg; replaces threonine 843 with arginine.
Molecular consequence: missense variant. On other transcripts: intron variant (137).
Genome position (GRCh38, 1-based): chr17:43,093,003, G>C on the plus strand (C>G on the coding strand, the complement: BRCA1 is on the minus strand). VCF-style: chr17-43093003-G-C. GRCh37 (hg19) VCF-style: chr17-41245020-G-C.
Other names: c.2450C>G, p.Thr817Arg (NM_001407657.1, NM_001407658.1, NM_001407663.1 and 4 more transcripts); c.2447C>G, p.Thr816Arg (NM_001407659.1, NM_001407660.1, NM_001407661.1 and 1 more transcripts); c.2405C>G, p.Thr802Arg (NM_001407664.1, NM_001407665.1, NM_001407666.1 and 19 more transcripts); c.2402C>G, p.Thr801Arg (NM_001407670.1, NM_001407671.1, NM_001407672.1 and 11 more transcripts); c.2528C>G, p.Thr843Arg (NM_001407684.1, NM_001407854.1, NM_001407858.1 and 30 more transcripts); c.2387C>G, p.Thr796Arg (NM_001407692.1, NM_001407694.1, NM_001407695.1 and 29 more transcripts); c.2384C>G, p.Thr795Arg (NM_001407740.1, NM_001407741.1, NM_001407742.1 and 20 more transcripts); c.2315C>G, p.Thr772Arg (NM_001407853.1, NM_001407894.1, NM_001407895.1 and 9 more transcripts); and 41 more; short protein forms T843R, T796R, T715R, T755R, T775R, T817R, T732R, T754R.
Identifiers: ClinVar variation 462588 (VCV000462588.17), dbSNP rs1555589466, ClinGen allele CA10596942.

ClinVar aggregate classification (germline): Conflicting classifications of pathogenicity. Review status: criteria provided, conflicting classifications (1 of 4 stars). 3 submissions from 3 submitters: Uncertain significance (2); Likely benign (1). Last evaluated 2023-05-06.

Conditions:
Hereditary breast ovarian cancer syndrome. Also called: Hereditary breast and ovarian cancer syndrome (HBOC); Hereditary breast and ovarian cancer syndrome; Breast and ovarian cancer; Hereditary breast and/or ovarian cancer syndrome; Hereditary breast and ovarian cancer; BRCA1- and BRCA2-Associated Hereditary Breast and Ovarian Cancer. Identifiers: Orphanet 145, MedGen C0677776, MeSH D061325, MONDO:0003582. Disease mechanism: loss of function.
Hereditary cancer-predisposing syndrome. Also called: Neoplastic Syndromes, Hereditary; Hereditary Cancer Syndrome; Hereditary neoplastic syndrome; Tumor predisposition. Identifiers: Orphanet 140162, MedGen C0027672, MeSH D009386, MONDO:0015356.

Submissions (3):

Ambry Genetics
Classification: Uncertain significance for Hereditary cancer-predisposing syndrome. Last evaluated: 2023-05-06. Review status: criteria provided, single submitter. Criteria: Ambry Variant Classification Scheme 2023. Collection method: clinical testing. Allele origin: germline.
Comment: The p.T843R variant (also known as c.2528C>G), located in coding exon 9 of the BRCA1 gene, results from a C to G substitution at nucleotide position 2528. The threonine at codon 843 is replaced by arginine, an amino acid with similar properties. This amino acid position is not well conserved in available vertebrate species. In addition, the in silico prediction for this alteration is inconclusive. Since supporting evidence is limited at this time, the clinical significance of this alteration remains unclear.

University of Washington Department of Laboratory Medicine, University of Washington
Classification: Likely benign for Hereditary cancer-predisposing syndrome. Last evaluated: 2023-03-23. Review status: criteria provided, single submitter. Criteria: Dines et al. (Genet Med. 2020). Collection method: curation. Allele origin: germline.
Comment: Missense variant in a coldspot region where missense variants are very unlikely to be pathogenic (PMID:31911673).

BRCA1 coldspot (exon 11 using historical exon numbering). Reclassification based on statistical prior probability

Labcorp Genetics (formerly Invitae), Labcorp
Classification: Uncertain significance for Hereditary breast ovarian cancer syndrome. Last evaluated: 2017-02-01. Review status: criteria provided, single submitter. Criteria: Invitae Variant Classification Sherloc (09022015). Collection method: clinical testing. Allele origin: germline.
Comment: In summary, this variant is a novel missense change with uncertain impact on protein function. It has been classified as a Variant of Uncertain Significance. Algorithms developed to predict the effect of missense changes on protein structure and function do not agree on the potential impact of this missense change (SIFT: "Tolerated"; PolyPhen-2: "Probably Damaging"; Align-GVGD: "Class C0"). This variant is not present in population databases (ExAC no frequency) and has not been reported in the literature in individuals with a BRCA1-related disease. This sequence change replaces threonine with arginine at codon 843 of the BRCA1 protein (p.Thr843Arg). The threonine residue is moderately conserved and there is a moderate physicochemical difference between threonine and arginine.